The following is an entry in ClinVar:

NM_014845.6(FIG4):c.62G>A (p.Arg21Lys)

Gene: FIG4 (FIG4 phosphoinositide 5-phosphatase; plus strand). Cytogenetic location: 6q21.
Variant type: single nucleotide variant.
Coding change: c.62G>A on transcript NM_014845.6 (MANE Select); coding-DNA position 62, G replaced by A.
Protein change: p.Arg21Lys; replaces arginine 21 with lysine.
Molecular consequence: missense variant.
Genome position (GRCh38, 1-based): chr6:109,691,497, G>A. VCF-style: chr6-109691497-G-A. GRCh37 (hg19) VCF-style: chr6-110012700-G-A.
Other names: short protein forms R21K.
Identifiers: ClinVar variation 1014776 (VCV001014776.8), dbSNP rs1041331138, ClinGen allele CA145141268.
Genomic context (GRCh38, chr6:109,691,497, plus strand): 5'-TGCCCACGGCCGCCGCCCCCATCATCAGCTCGGTCCAGAAGCTGGTTCTGTATGAGACTA[G>A]AGCTGTGAGTACCCCCTCGCGGCGGGGCGCAGGCGGGAGGATGGATGTCTGCCGGTGGGT-3'
Protein context (NP_055660.1, residues 11-31): SVQKLVLYET[Arg21Lys]ARYFLVGSNN

ClinVar aggregate classification (germline): Uncertain significance (1 of 4 stars; one submission).

Conditions:
Charcot-Marie-Tooth disease type 4. Also called: Charcot-Marie-Tooth disease, type IV; Charcot-Marie-Tooth, Type 4. Identifiers: Orphanet 64749, MedGen C4082197, MONDO:0018995.

Submission:

Labcorp Genetics (formerly Invitae), Labcorp
Classification: Uncertain significance for Charcot-Marie-Tooth disease type 4. Last evaluated: 2020-01-23. Review status: criteria provided, single submitter. Criteria: Invitae Variant Classification Sherloc (09022015). Collection method: clinical testing. Allele origin: germline.
Comment: This sequence change replaces arginine with lysine at codon 21 of the FIG4 protein (p.Arg21Lys). The arginine residue is moderately conserved and there is a small physicochemical difference between arginine and lysine. This variant is not present in population databases (ExAC no frequency). This variant has not been reported in the literature in individuals with FIG4-related conditions. Algorithms developed to predict the effect of missense changes on protein structure and function (SIFT, PolyPhen-2, Align-GVGD) all suggest that this variant is likely to be tolerated, but these predictions have not been confirmed by published functional studies and their clinical significance is uncertain. In summary, the available evidence is currently insufficient to determine the role of this variant in disease. Therefore, it has been classified as a Variant of Uncertain Significance.